The following is an entry in ClinVar:

ClinVar aggregate classification (germline): Uncertain significance. Review status: criteria provided, multiple submitters, no conflicts (2 of 4 stars). 2 submissions from 2 submitters: Uncertain significance (2). Last evaluated 2025-03-15.

Conditions:
Inborn genetic diseases. Identifiers: MedGen C0950123, MeSH D030342.
Baller-Gerold syndrome (BGS). Also called: CRANIOSYNOSTOSIS WITH RADIAL DEFECTS. Identifiers: Orphanet 1225, MedGen C0265308, MONDO:0009039, OMIM 218600.

Allele frequency attached by ClinVar (database versions not stated): gnomAD exomes below 0.00001 and 0.00001; ExAC 0.00007.

Submissions (2):

Ambry Genetics
Classification: Uncertain significance for Inborn genetic diseases. Last evaluated: 2025-03-15. Review status: criteria provided, single submitter. Criteria: Ambry Variant Classification Scheme 2023. Collection method: clinical testing. Allele origin: germline.
Comment: The p.H478Y variant (also known as c.1432C>T), located in coding exon 8 of the RECQL4 gene, results from a C to T substitution at nucleotide position 1432. The histidine at codon 478 is replaced by tyrosine, an amino acid with similar properties. This amino acid position is conserved. In addition, this alteration is predicted to be tolerated by in silico analysis. Based on the available evidence, the clinical significance of this variant remains unclear.

Labcorp Genetics (formerly Invitae), Labcorp
Classification: Uncertain significance for Baller-Gerold syndrome. Last evaluated: 2022-07-19. Review status: criteria provided, single submitter. Criteria: Invitae Variant Classification Sherloc (09022015). Collection method: clinical testing. Allele origin: germline.
Comment: In summary, the available evidence is currently insufficient to determine the role of this variant in disease. Therefore, it has been classified as a Variant of Uncertain Significance. Algorithms developed to predict the effect of sequence changes on RNA splicing suggest that this variant may create or strengthen a splice site. Algorithms developed to predict the effect of missense changes on protein structure and function output the following: SIFT: "Not Available"; PolyPhen-2: "Not Available"; Align-GVGD: "Not Available". The tyrosine amino acid residue is found in multiple mammalian species, which suggests that this missense change does not adversely affect protein function. ClinVar contains an entry for this variant (Variation ID: 459328). This variant has not been reported in the literature in individuals affected with RECQL4-related conditions. The frequency data for this variant in the population databases is considered unreliable, as metrics indicate poor data quality at this position in the gnomAD database. This sequence change replaces histidine, which is basic and polar, with tyrosine, which is neutral and polar, at codon 478 of the RECQL4 protein (p.His478Tyr).

NM_004260.4(RECQL4):c.1432C>T (p.His478Tyr)

Gene: RECQL4 (RecQ like helicase 4; minus strand). Cytogenetic location: 8q24.3.
Variant type: single nucleotide variant.
Coding change: c.1432C>T on transcript NM_004260.4 (MANE Select); coding-DNA position 1432, C replaced by T.
Protein change: p.His478Tyr; replaces histidine 478 with tyrosine.
Molecular consequence: missense variant.
Genome position (GRCh38, 1-based): chr8:144,515,201, G>A on the plus strand (C>T on the coding strand, the complement: RECQL4 is on the minus strand). VCF-style: chr8-144515201-G-A. GRCh37 (hg19) VCF-style: chr8-145740585-G-A.
Other names: short protein forms H478Y.
Identifiers: ClinVar variation 459328 (VCV000459328.8), dbSNP rs750354218, ClinGen allele CA4948858.